The following is an entry in ClinVar:

ClinVar aggregate classification (germline): Uncertain significance (1 of 4 stars; one submission).

Conditions:
Familial hemophagocytic lymphohistiocytosis 5. Also called: STXBP2-Related Familial Hemophagocytic Lymphohistiocytosis (STXBP2-fHLH). Identifiers: Orphanet 540, MedGen C2751293, MONDO:0013135, OMIM 613101.

Allele frequency attached by ClinVar (database versions not stated): gnomAD exomes below 0.00001 and 0.00001; gnomAD 0.00001; TOPMed 0.00002.
gnomAD v4.1: 4 of 1,614,070 alleles (0.00025%); highest among the groups gnomAD compares: Admixed American, 0.0067%; no homozygotes.

Submission:

Labcorp Genetics (formerly Invitae), Labcorp
Classification: Uncertain significance for Familial hemophagocytic lymphohistiocytosis 5. Last evaluated: 2021-10-29. Review status: criteria provided, single submitter. Criteria: Invitae Variant Classification Sherloc (09022015). Collection method: clinical testing. Allele origin: germline.
Comment: This sequence change replaces glutamic acid, which is acidic and polar, with glutamine, which is neutral and polar, at codon 27 of the STXBP2 protein (p.Glu27Gln). This variant is present in population databases (rs796488505, gnomAD 0.006%). This variant has not been reported in the literature in individuals affected with STXBP2-related conditions. Algorithms developed to predict the effect of missense changes on protein structure and function are either unavailable or do not agree on the potential impact of this missense change (SIFT: "Tolerated"; PolyPhen-2: "Probably Damaging"; Align-GVGD: "Class C0"). In summary, the available evidence is currently insufficient to determine the role of this variant in disease. Therefore, it has been classified as a Variant of Uncertain Significance.

NM_006949.4(STXBP2):c.79G>C (p.Glu27Gln)

Gene: STXBP2 (syntaxin binding protein 2; plus strand). Cytogenetic location: 19p13.2.
Variant type: single nucleotide variant.
Coding change: c.79G>C on transcript NM_006949.4 (MANE Select); coding-DNA position 79, G replaced by C.
Protein change: p.Glu27Gln; replaces glutamic acid 27 with glutamine.
Molecular consequence: missense variant. On other transcripts: non-coding transcript variant (1).
Genome position (GRCh38, 1-based): chr19:7,638,767, G>C. VCF-style: chr19-7638767-G-C. GRCh37 (hg19) VCF-style: chr19-7703653-G-C.
Other names: c.79G>C, p.Glu27Gln (NM_001127396.3, NM_001272034.2); short protein forms E27Q.
Identifiers: ClinVar variation 1379702 (VCV001379702.3), dbSNP rs796488505, ClinGen allele CA304903272.
Genomic context (GRCh38, chr19:7,638,767, plus strand): 5'-TCCCCTCCCTTCCCTGCAGAAATTCTGAGCGGAGTTATTCGGAGTGTCAAGAAGGATGGG[G>C]AGTGGAAGGTAGGGGTGAGGCAGATGGCTGGGTACCCAGAGGCAGCTCATCATCAGGCCT-3'
Protein context (NP_008880.2, residues 17-37): GVIRSVKKDG[Glu27Gln]WKVLIMDHPS